The following is an entry in ClinVar:

NM_001953.5(TYMP):c.199C>T (p.Gln67Ter)

Gene: TYMP (thymidine phosphorylase; minus strand). Cytogenetic location: 22q13.33.
Variant type: single nucleotide variant.
Coding change: c.199C>T on transcript NM_001953.5 (MANE Select); coding-DNA position 199, C replaced by T.
Protein change: p.Gln67Ter; replaces glutamine 67 with a stop codon.
Molecular consequence: nonsense.
Genome position (GRCh38, 1-based): chr22:50,529,511, G>A on the plus strand (C>T on the coding strand, the complement: TYMP is on the minus strand). VCF-style: chr22-50529511-G-A. GRCh37 (hg19) VCF-style: chr22-50967940-G-A.
Other names: c.199C>T (NM_001953.3); c.199C>T, p.Gln67Ter (NM_001113755.3, NM_001113756.3, NM_001257988.1 and 1 more transcripts); short protein forms Q67*.
Identifiers: ClinVar variation 1407889 (VCV001407889.10), dbSNP rs2148683231, ClinGen allele CA412202481.
Genomic context (GRCh38, chr22:50,529,511, plus strand): 5'-TGACCTCCCAGTCGGGGTCAGGAACGCCCAACCCTCCCCACGCACCGATCTGTGCGCCCT[G>A]CGCGCTCCCATTCACCACAGCGGCCACGAAGCCCCTGATGTCCGCTTCGCTCAGGCGGCC-3'

ClinVar aggregate classification (germline): Pathogenic. Review status: criteria provided, multiple submitters, no conflicts (2 of 4 stars). 3 submissions from 3 submitters: Pathogenic (3). Last evaluated 2026-03-19.

Conditions:
Mitochondrial DNA depletion syndrome 1. Also called: Mitochondrial neurogastrointestinal encephalomyopathy syndrome; POLIP SYNDROME; POLYNEUROPATHY, OPHTHALMOPLEGIA, LEUKOENCEPHALOPATHY, AND INTESTINAL PSEUDOOBSTRUCTION; Mitochondrial Neurogastrointestinal Encephalopathy Disease; MITOCHONDRIAL NEUROGASTROINTESTINAL ENCEPHALOPATHY SYNDROME, TYMP-RELATED; MNGIE, TYMP-RELATED. Identifiers: Orphanet 298, MedGen C4551995, MONDO:0011283, OMIM 603041.

Submissions (3):

Myriad Genetics, Inc.
Classification: Pathogenic for Mitochondrial DNA depletion syndrome 1. Last evaluated: 2026-03-19. Review status: criteria provided, single submitter. Criteria: Myriad Autosomal Dominant, Autosomal Recessive and X-Linked Classification Criteria (2023). Collection method: clinical testing. Allele origin: unknown.
Comment: NM_001953.4(TYMP):c.199C>T(Q67*) is a nonsense variant classified as pathogenic in the context of mitochondrial neurogastrointestinal encephalopathy disease. Q67* has been observed in a case with relevant disease (PMID: 23341816). Relevant functional assessments of this variant are not available in the literature. Q67* has not been observed in referenced population frequency databases. In summary, NM_001953.4(TYMP):c.199C>T(Q67*) is a nonsense variant that has been observed more frequently in cases with the relevant disease than in healthy populations. Please note: this variant was assessed in the context of healthy population screening.

GeneDx
Classification: Pathogenic. Last evaluated: 2025-06-30. Review status: criteria provided, single submitter. Criteria: GeneDx Variant Classification Process June 2021. Collection method: clinical testing. Allele origin: germline. Affected: yes.
Comment: Nonsense variant predicted to result in protein truncation or nonsense mediated decay in a gene for which loss of function is a known mechanism of disease; Not observed at significant frequency in large population cohorts (gnomAD); This variant is associated with the following publications: (PMID: 23341816)

Labcorp Genetics (formerly Invitae), Labcorp
Classification: Pathogenic. Last evaluated: 2022-11-29. Review status: criteria provided, single submitter. Criteria: Invitae Variant Classification Sherloc (09022015). Collection method: clinical testing. Allele origin: germline.
Comment: This sequence change creates a premature translational stop signal (p.Gln67*) in the TYMP gene. It is expected to result in an absent or disrupted protein product. Loss-of-function variants in TYMP are known to be pathogenic (PMID: 9924029, 15781193). This variant is not present in population databases (gnomAD no frequency). This premature translational stop signal has been observed in individual(s) with mitochondrial neurogastrointestinal encephalomyopathy (PMID: 23341816). ClinVar contains an entry for this variant (Variation ID: 1407889). For these reasons, this variant has been classified as Pathogenic.

Literature cited by the submitters: PubMed 23341816 (cited by Myriad Genetics, Inc. and Labcorp Genetics (formerly Invitae), Labcorp); PubMed 9924029 (cited by Labcorp Genetics (formerly Invitae), Labcorp); PubMed 15781193 (cited by Labcorp Genetics (formerly Invitae), Labcorp).